The following is an entry in ClinVar:

ClinVar aggregate classification (germline): Uncertain significance. Review status: criteria provided, multiple submitters, no conflicts (2 of 4 stars). 4 submissions from 4 submitters: Uncertain significance (4). Last evaluated 2024-11-15.

Conditions:
Megacystis-microcolon-intestinal hypoperistalsis syndrome 1. Identifiers: MedGen C5542316, MONDO:0100354, OMIM 249210.
Aortic aneurysm, familial thoracic 7 (AAT7). Also called: AORTIC DISSECTION, FAMILIAL, WITH OR WITHOUT AORTIC ANEURYSM. Identifiers: MedGen C3151077, MONDO:0013418, OMIM 613780.

Allele frequency attached by ClinVar (database versions not stated): gnomAD exomes below 0.00001 and 0.00003; TOPMed 0.00003; gnomAD 0.00004.
gnomAD v4.1: 51 of 1,614,000 alleles (0.0032%); highest among the groups gnomAD compares: Non-Finnish European, 0.0042%; no homozygotes.

Submissions (4):

Labcorp Genetics (formerly Invitae), Labcorp
Classification: Uncertain significance for Aortic aneurysm, familial thoracic 7. Last evaluated: 2024-11-15. Review status: criteria provided, single submitter. Criteria: Invitae Variant Classification Sherloc (09022015). Collection method: clinical testing. Allele origin: germline.
Comment: This sequence change replaces aspartic acid, which is acidic and polar, with glycine, which is neutral and non-polar, at codon 1666 of the MYLK protein (p.Asp1666Gly). This variant is present in population databases (no rsID available, gnomAD 0.003%). This missense change has been observed in individual(s) with clinical features of thoracic aortic aneurysm and dissection (internal data). ClinVar contains an entry for this variant (Variation ID: 648936). Invitae Evidence Modeling of protein sequence and biophysical properties (such as structural, functional, and spatial information, amino acid conservation, physicochemical variation, residue mobility, and thermodynamic stability) indicates that this missense variant is not expected to disrupt MYLK protein function with a negative predictive value of 95%. In summary, the available evidence is currently insufficient to determine the role of this variant in disease. Therefore, it has been classified as a Variant of Uncertain Significance.

Fulgent Genetics
Classification: Uncertain significance for Megacystis-microcolon-intestinal hypoperistalsis syndrome 1; Aortic aneurysm, familial thoracic 7. Last evaluated: 2021-11-14. Review status: criteria provided, single submitter. Criteria: ACMG Guidelines, 2015. Collection method: clinical testing. Allele origin: unknown.

Blueprint Genetics
Classification: Uncertain significance. Last evaluated: 2021-07-06. Review status: criteria provided, single submitter. Criteria: ACMG Guidelines, 2015. Collection method: clinical testing. Allele origin: germline.

GeneDx
Classification: Uncertain significance. Last evaluated: 2019-02-08. Review status: criteria provided, single submitter. Criteria: GeneDx Variant Classification Process June 2021. Collection method: clinical testing. Allele origin: germline. Affected: yes.
Comment: Not observed at a significant frequency in large population cohorts (Lek et al., 2016); In silico analysis, which includes protein predictors and evolutionary conservation, supports a deleterious effect; Has not been previously published as pathogenic or benign to our knowledge

NM_053025.4(MYLK):c.4997A>G (p.Asp1666Gly)

Genes: MYLK (myosin light chain kinase; minus strand), MYLK-AS1 (MYLK antisense RNA 1; plus strand), LOC126806791 (MED14-independent group 3 enhancer GRCh37_chr3:123347871-123349070; plus strand). Cytogenetic location: 3q21.1.
Variant type: single nucleotide variant.
Coding change: c.4997A>G on transcript NM_053025.4 (MANE Select); coding-DNA position 4997, A replaced by G.
Protein change: p.Asp1666Gly; replaces aspartic acid 1666 with glycine.
Molecular consequence: missense variant. On other transcripts: non-coding transcript variant (2), intron variant (2).
Genome position (GRCh38, 1-based): chr3:123,629,591, T>C on the plus strand (A>G on the coding strand, the complement: MYLK is on the minus strand). VCF-style: chr3-123629591-T-C. GRCh37 (hg19) VCF-style: chr3-123348438-T-C.
Other names: c.4469A>G, p.Asp1490Gly (NM_001321309.2); c.4790A>G, p.Asp1597Gly (NM_053026.4); c.4755-2650A>G (NM_053028.4); c.4962-2650A>G (NM_053027.4); short protein forms D1666G, D1490G, D1597G.
Identifiers: ClinVar variation 648936 (VCV000648936.9), dbSNP rs1361739212, ClinGen allele CA354233359.